The following is an entry in ClinVar:

ClinVar aggregate classification (germline): Uncertain significance (1 of 4 stars; one submission).

Conditions:
Inborn genetic diseases. Identifiers: MedGen C0950123, MeSH D030342.

Submission:

Ambry Genetics
Classification: Uncertain significance for Inborn genetic diseases. Last evaluated: 2025-12-15. Review status: criteria provided, single submitter. Criteria: Ambry Variant Classification Scheme 2023. Collection method: clinical testing. Allele origin: germline.
Comment: The p.T92A variant (also known as c.274A>G), located in coding exon 3 of the RUNX1 gene, results from an A to G substitution at nucleotide position 274. The threonine at codon 92 is replaced by alanine, an amino acid with similar properties. This amino acid position is conserved. In addition, this alteration is predicted to be deleterious by in silico analysis. Based on the available evidence, the clinical significance of this variant remains unclear.

NM_001754.5(RUNX1):c.274A>G (p.Thr92Ala)

Gene: RUNX1 (RUNX family transcription factor 1; minus strand). Cytogenetic location: 21q22.12.
Variant type: single nucleotide variant.
Coding change: c.274A>G on transcript NM_001754.5 (MANE Select); coding-DNA position 274, A replaced by G.
Protein change: p.Thr92Ala; replaces threonine 92 with alanine.
Molecular consequence: missense variant.
Genome position (GRCh38, 1-based): chr21:34,886,920, T>C on the plus strand (A>G on the coding strand, the complement: RUNX1 is on the minus strand). VCF-style: chr21-34886920-T-C. GRCh37 (hg19) VCF-style: chr21-36259217-T-C.
Other names: c.193A>G, p.Thr65Ala (NM_001001890.3, NM_001122607.2); short protein forms T65A, T92A.
Identifiers: ClinVar variation 4843703 (VCV004843703.1).